The following is an entry in ClinVar:

ClinVar aggregate classification (germline): Benign/Likely benign. Review status: criteria provided, multiple submitters, no conflicts (2 of 4 stars). 15 submissions from 13 submitters: Benign (4); Likely benign (8). 3 of the submissions do not count toward it. Last evaluated 2026-01-27.

Conditions:
TNNT2-related disorder. Also called: TNNT2-related condition.
Cardiovascular phenotype. Identifiers: MedGen CN230736.
Dilated cardiomyopathy 1D. Identifiers: Orphanet 154, Orphanet 54260, MedGen C1832243, MONDO:0011095, OMIM 601494.
Cardiomyopathy, familial restrictive, 3. Identifiers: Orphanet 75249, MedGen C2676271, MONDO:0012900, OMIM 612422.
Hypertrophic cardiomyopathy 2. Also called: TNNT2-Related Familial Hypertrophic Cardiomyopathy. Identifiers: MedGen C1861864, MONDO:0007266, OMIM 115195.
Cardiomyopathy (CMYO). Also called: Cardiomyopathies. Identifiers: Orphanet 167848, MedGen C0878544, MONDO:0004994, HP:0001638. Inheritance: Various modes of inheritance.

Allele frequency attached by ClinVar (database versions not stated): TOPMed 0.00002.
gnomAD v4.1: 40 of 1,613,906 alleles (0.0025%); highest among the groups gnomAD compares: Admixed American, 0.015%; no homozygotes.

Submissions (15):

Labcorp Genetics (formerly Invitae), Labcorp
Classification: Likely benign for Cardiomyopathy, familial restrictive, 3; Hypertrophic cardiomyopathy 2; Dilated cardiomyopathy 1D. Last evaluated: 2026-01-27. Review status: criteria provided, single submitter. Criteria: Invitae Variant Classification Sherloc (09022015). Collection method: clinical testing. Allele origin: germline.

Blueprint Genetics
Classification: Likely benign. Last evaluated: 2024-08-20. Review status: criteria provided, single submitter. Criteria: ACMG Guidelines, 2015. Collection method: clinical testing. Allele origin: germline.

All of Us Research Program, National Institutes of Health
Classification: Likely benign for Cardiomyopathy. Last evaluated: 2024-02-05. Review status: criteria provided, single submitter. Criteria: ACMG Guidelines, 2015. Collection method: clinical testing. Allele origin: germline. Inheritance: Autosomal dominant inheritance. Observed: 8 variant alleles, 8 heterozygotes.
Comment: This study involves interpretation of variants in research participants for the purpose of population health screening. Participant phenotype was not available at the time of variant classification. Additional details can be found in publication PMID: 35346344, PMCID: PMC8962531

Genome-Nilou Lab
Classification: Benign for Dilated cardiomyopathy 1D. Last evaluated: 2023-04-11. Review status: criteria provided, single submitter. Criteria: ACMG Guidelines, 2015. Collection method: clinical testing. Allele origin: germline. Affected: no.

Genome-Nilou Lab
Classification: Benign for Cardiomyopathy, familial restrictive, 3. Last evaluated: 2023-04-11. Review status: criteria provided, single submitter. Criteria: ACMG Guidelines, 2015. Collection method: clinical testing. Allele origin: germline. Affected: no.

Genome-Nilou Lab
Classification: Benign for Hypertrophic cardiomyopathy 2. Last evaluated: 2023-04-11. Review status: criteria provided, single submitter. Criteria: ACMG Guidelines, 2015. Collection method: clinical testing. Allele origin: germline. Affected: no.

Ambry Genetics
Classification: Likely benign for Cardiovascular phenotype. Last evaluated: 2021-12-07. Review status: criteria provided, single submitter. Criteria: Ambry Variant Classification Scheme 2023. Collection method: clinical testing. Allele origin: germline.

CeGaT Center for Human Genetics Tuebingen
Classification: Likely benign. Last evaluated: 2021-01-01. Review status: criteria provided, single submitter. Criteria: CeGaT Center For Human Genetics Tuebingen Variant Classification Criteria Version 2. Collection method: clinical testing. Allele origin: germline. Affected: yes. Observed: 1 variant allele.

CHEO Genetics Diagnostic Laboratory, Children's Hospital of Eastern Ontario
Classification: Likely benign for Cardiomyopathy. Last evaluated: 2020-03-13. Review status: criteria provided, single submitter. Criteria: ACMG Guidelines, 2015. Collection method: clinical testing. Allele origin: germline.

Color Diagnostics, LLC DBA Color Health
Classification: Likely benign for Cardiomyopathy. Last evaluated: 2018-12-01. Review status: criteria provided, single submitter. Criteria: ACMG Guidelines, 2015. Collection method: clinical testing. Allele origin: germline.

GeneDx
Classification: Benign. Last evaluated: 2015-03-03. Review status: criteria provided, single submitter. Criteria: GeneDx Variant Classification Process June 2021. Collection method: clinical testing. Allele origin: germline. Affected: yes.

Laboratory for Molecular Medicine, Mass General Brigham Personalized Medicine
Classification: Likely benign. Last evaluated: 2012-10-03. Review status: criteria provided, single submitter. Criteria: LMM Criteria. Collection method: clinical testing. Allele origin: germline. Observed: 1 variant allele.
Comment: Pro80Pro in exon 8 of TNNT2: This variant is not expected to have clinical signi ficance because it does not alter an amino acid residue and is not located withi n the splice consensus sequence. Pro80Pro in exon 8 of TNNT2 (allele frequency = n/a)

PreventionGenetics, part of Exact Sciences
Classification: Likely benign for TNNT2-related condition. Last evaluated: 2020-10-27. Review status: no assertion criteria provided. Collection method: clinical testing. Allele origin: germline. Not counted in ClinVar's aggregate classification.
Comment: This variant is classified as likely benign based on ACMG/AMP sequence variant interpretation guidelines (Richards et al. 2015 PMID: 25741868, with internal and published modifications).

Clinical Genetics DNA and cytogenetics Diagnostics Lab, Erasmus MC, Erasmus Medical Center
Classification: Likely benign. Review status: no assertion criteria provided. Collection method: clinical testing. Allele origin: germline. Affected: yes. Study: VKGL Data-share Consensus. Not counted in ClinVar's aggregate classification.

Clinical Genetics, Academic Medical Center
Classification: Benign. Review status: no assertion criteria provided. Collection method: clinical testing. Allele origin: germline. Affected: yes. Study: VKGL Data-share Consensus. Not counted in ClinVar's aggregate classification.

NM_001276345.2(TNNT2):c.270C>T (p.Pro90=)

Gene: TNNT2 (troponin T2, cardiac type; minus strand). Cytogenetic location: 1q32.1.
Variant type: single nucleotide variant.
Coding change: c.270C>T on transcript NM_001276345.2 (MANE Select); coding-DNA position 270, C replaced by T.
Protein change: p.Pro90=; no amino-acid change (proline 90 retained).
Molecular consequence: synonymous variant.
Genome position (GRCh38, 1-based): chr1:201,365,634, G>A on the plus strand (C>T on the coding strand, the complement: TNNT2 is on the minus strand). VCF-style: chr1-201365634-G-A. GRCh37 (hg19) VCF-style: chr1-201334762-G-A.
Other names: c.270C>T, p.Pro90= (NM_000364.4); c.240C>T, p.Pro80= (NM_001001430.3, NM_001001431.3, NM_001276347.2); c.225C>T, p.Pro75= (NM_001001432.3); c.267C>T, p.Pro89= (NM_001276346.2).
Identifiers: ClinVar variation 43622 (VCV000043622.64), dbSNP rs140245123, ClinGen allele CA004189.